The following is an entry in ClinVar:

ClinVar aggregate classification (germline): Uncertain significance (1 of 4 stars; one submission).

Submission:

GeneDx
Classification: Uncertain significance. Last evaluated: 2023-06-14. Review status: criteria provided, single submitter. Criteria: GeneDx Variant Classification Process June 2021. Collection method: clinical testing. Allele origin: germline. Affected: yes.
Comment: Not observed at significant frequency in large population cohorts (gnomAD); Nonsense variant predicted to result in protein truncation or nonsense mediated decay in a gene or region of a gene for which loss of function is not a well-established mechanism of disease; Has not been previously published as pathogenic or benign to our knowledge

NM_001281775.3(ZMYND8):c.3183G>A (p.Trp1061Ter)

Gene: ZMYND8 (zinc finger MYND-type containing 8; minus strand). Cytogenetic location: 20q13.12.
Variant type: single nucleotide variant.
Coding change: c.3183G>A on transcript NM_001281775.3 (MANE Select); coding-DNA position 3183, G replaced by A.
Protein change: p.Trp1061Ter; replaces tryptophan 1061 with a stop codon.
Molecular consequence: nonsense.
Genome position (GRCh38, 1-based): chr20:47,224,390, C>T on the plus strand (G>A on the coding strand, the complement: ZMYND8 is on the minus strand). VCF-style: chr20-47224390-C-T. GRCh37 (hg19) VCF-style: chr20-45853043-C-T.
Other names: c.2727G>A, p.Trp909Ter (NM_001281771.3); c.3123G>A, p.Trp1041Ter (NM_001281772.3, NM_001281773.3, NM_001363741.2); c.2985G>A, p.Trp995Ter (NM_001281774.3); c.2802G>A, p.Trp934Ter (NM_001281776.3); c.2970G>A, p.Trp990Ter (NM_001281777.3, NM_183048.4); c.3108G>A, p.Trp1036Ter (NM_001281778.3); c.2241G>A, p.Trp747Ter (NM_001281779.3, NM_001281780.3); c.2829G>A, p.Trp943Ter (NM_001281781.3); and 5 more; short protein forms W1015*, W1036*, W1041*, W1061*, W1068*, W747*, W909*, W934*.
Identifiers: ClinVar variation 3359760 (VCV003359760.1).
Genomic context (GRCh38, chr20:47,224,390, plus strand): 5'-GGACTTCATGTGCTCAGGCCAGTGGGCTTGCTGGCAGGGGTAGTCACAGTAGCTGGTGTT[C>T]CAACAGCAGTAAAAGATGGCCTCCTTCTTGCAGTTGGCGCACCACTGCTTCTTCTTGGTC-3'